The following is an entry in ClinVar:

ClinVar aggregate classification (germline): Likely benign. Review status: criteria provided, multiple submitters, no conflicts (2 of 4 stars). 2 submissions from 2 submitters: Likely benign (2). Last evaluated 2026-02-03.

Conditions:
Peutz-Jeghers syndrome (PJS). Also called: Peutz-Jeghers polyposis; Periorificial lentiginosis syndrome; POLYPOSIS, HAMARTOMATOUS INTESTINAL; POLYPS-AND-SPOTS SYNDROME. Identifiers: Orphanet 2869, MedGen C0031269, MeSH D010580, MONDO:0008280, OMIM 175200.

Allele frequency attached by ClinVar (database versions not stated): gnomAD 0.00001; TOPMed 0.00001.
gnomAD v4.1: 5 of 1,604,946 alleles (0.00031%); highest among the groups gnomAD compares: East Asian, 0.0022%; no homozygotes.

Submissions (2):

Labcorp Genetics (formerly Invitae), Labcorp
Classification: Likely benign for Peutz-Jeghers syndrome. Last evaluated: 2026-02-03. Review status: criteria provided, single submitter. Criteria: Invitae Variant Classification Sherloc (09022015). Collection method: clinical testing. Allele origin: germline.

GeneDx
Classification: Likely benign. Last evaluated: 2016-01-15. Review status: criteria provided, single submitter. Criteria: GeneDx Variant Classification (06012015). Collection method: clinical testing. Allele origin: germline. Affected: yes.
Comment: This variant is considered likely benign or benign based on one or more of the following criteria: it is a conservative change, it occurs at a poorly conserved position in the protein, it is predicted to be benign by multiple in silico algorithms, and/or has population frequency not consistent with disease.

NM_000455.5(STK11):c.1108+12G>A

Genes: STK11 (serine/threonine kinase 11; plus strand), LOC130062899 (ATAC-STARR-seq lymphoblastoid active region 13597; plus strand). Cytogenetic location: 19p13.3.
Variant type: single nucleotide variant.
Coding change: c.1108+12G>A on transcript NM_000455.5 (MANE Select); 12 bases into the intron after coding-DNA position 1108, G replaced by A.
Molecular consequence: intron variant.
Genome position (GRCh38, 1-based): chr19:1,223,184, G>A. VCF-style: chr19-1223184-G-A. GRCh37 (hg19) VCF-style: chr19-1223183-G-A.
Identifiers: ClinVar variation 383184 (VCV000383184.9), dbSNP rs1057521545, ClinGen allele CA16608024.